The following is an entry in ClinVar:

ClinVar aggregate classification (germline): Conflicting classifications of pathogenicity. Review status: criteria provided, conflicting classifications (1 of 4 stars). 3 submissions from 3 submitters: Uncertain significance (1); Likely benign (1). 1 of the submissions does not count toward it. Last evaluated 2025-05-05.

Conditions:
DNAJB6-related disorder. Also called: DNAJB6-related condition.
Autosomal dominant limb-girdle muscular dystrophy type 1D (DNAJB6) (LGMDD1). Also called: MUSCULAR DYSTROPHY, LIMB-GIRDLE, TYPE 1D; MUSCULAR DYSTROPHY, AUTOSOMAL DOMINANT, WITH RIMMED VACUOLES; Autosomal dominant limb-girdle muscular dystrophy type 1D; Muscular dystrophy, limb-girdle, autosomal dominant 1. Identifiers: Orphanet 34516, MedGen C4721885, MONDO:0021018, OMIM 603511.

Allele frequency attached by ClinVar (database versions not stated): TOPMed 0.00001.
gnomAD v4.1: 38 of 1,611,730 alleles (0.0024%); highest among the groups gnomAD compares: South Asian, 0.025%; no homozygotes.

Submissions (3):

Labcorp Genetics (formerly Invitae), Labcorp
Classification: Likely benign for Autosomal dominant limb-girdle muscular dystrophy type 1D (DNAJB6). Last evaluated: 2025-05-05. Review status: criteria provided, single submitter. Criteria: Invitae Variant Classification Sherloc (09022015). Collection method: clinical testing. Allele origin: germline.

Eurofins Ntd Llc (ga)
Classification: Uncertain significance. Last evaluated: 2016-09-02. Review status: criteria provided, single submitter. Criteria: EGL Classification Definitions 2015. Collection method: clinical testing. Allele origin: germline. Observed: 1 variant allele, 1 heterozygote.

PreventionGenetics, part of Exact Sciences
Classification: Likely benign for DNAJB6-related condition. Last evaluated: 2024-06-12. Review status: no assertion criteria provided. Collection method: clinical testing. Allele origin: germline. Not counted in ClinVar's aggregate classification.
Comment: This variant is classified as likely benign based on ACMG/AMP sequence variant interpretation guidelines (Richards et al. 2015 PMID: 25741868, with internal and published modifications).

NM_058246.4(DNAJB6):c.429G>A (p.Ala143=)

Gene: DNAJB6 (DnaJ heat shock protein family (Hsp40) member B6; plus strand). Cytogenetic location: 7q36.3.
Variant type: single nucleotide variant.
Coding change: c.429G>A on transcript NM_058246.4 (MANE Select); coding-DNA position 429, G replaced by A.
Protein change: p.Ala143=; no amino-acid change (alanine 143 retained).
Molecular consequence: synonymous variant. On other transcripts: intron variant (1).
Genome position (GRCh38, 1-based): chr7:157,382,328, G>A. VCF-style: chr7-157382328-G-A. GRCh37 (hg19) VCF-style: chr7-157175022-G-A.
Other names: c.429G>A, p.Ala143= (NM_005494.3); c.346+14845G>A (NM_001363676.1); c.429G>A (NM_058246.3).
Identifiers: ClinVar variation 291131 (VCV000291131.14), dbSNP rs150709673, ClinGen allele CA4590516.